The following is an entry in ClinVar:

ClinVar aggregate classification (germline): Conflicting classifications of pathogenicity. Review status: criteria provided, conflicting classifications (1 of 4 stars). 8 submissions from 8 submitters: Uncertain significance (2); Likely benign (5). 1 of the submissions does not count toward it. Last evaluated 2025-04-09.

Conditions:
TECRL-related disorder. Also called: TECRL-related condition.
Cardiovascular phenotype. Identifiers: MedGen CN230736.
Catecholaminergic polymorphic ventricular tachycardia 3. Identifiers: Orphanet 3286, MedGen C3151463, MONDO:0013529, OMIM 614021.

Allele frequency attached by ClinVar (database versions not stated): 1000 Genomes Project 30x 0.00047; gnomAD 0.00058 and 0.00062; 1000 Genomes Project 0.00060; gnomAD exomes 0.00061 and 0.00076; ExAC 0.00070; ESP Exome Variant Server 0.00115.
gnomAD v4.1: 1,185 of 1,612,854 alleles (0.073%); highest among the groups gnomAD compares: Middle Eastern, 0.15%; 1 homozygote.

Submissions (8):

Molecular Diagnostic Laboratory for Inherited Cardiovascular Disease, Montreal Heart Institute
Classification: Likely benign. Last evaluated: 2025-04-09. Review status: criteria provided, single submitter. Criteria: ACMG Guidelines, 2015. Collection method: clinical testing. Allele origin: germline. Affected: no.
Comment: BS1;BP4;BP5;BP6

ARUP Laboratories, Molecular Genetics and Genomics, ARUP Laboratories
Classification: Uncertain significance for Catecholaminergic polymorphic ventricular tachycardia 3. Last evaluated: 2025-03-03. Review status: criteria provided, single submitter. Criteria: ARUP Molecular Germline Variant Investigation Process 2024. Collection method: clinical testing. Allele origin: germline.
Comment: The TECRL c.454A>G; p.Thr152Ala variant (rs143746083), to our knowledge, is not reported in the medical literature but is reported in ClinVar (Variation ID: 1178321). This variant is found in the general population with an overall allele frequency of 0.06% (173/282,698 alleles) in the Genome Aggregation Database (v2.1.1). Computational analyses predict that this variant is neutral (REVEL: 0.029). Due to limited information, the clinical significance of this variant is uncertain at this time.

Blueprint Genetics
Classification: Likely benign. Last evaluated: 2024-11-26. Review status: criteria provided, single submitter. Criteria: ACMG Guidelines, 2015. Collection method: clinical testing. Allele origin: germline.

Ambry Genetics
Classification: Likely benign for Cardiovascular phenotype. Last evaluated: 2024-03-26. Review status: criteria provided, single submitter. Criteria: Ambry Variant Classification Scheme 2023. Collection method: clinical testing. Allele origin: germline.

Women's Health and Genetics/Laboratory Corporation of America, LabCorp
Classification: Uncertain significance. Last evaluated: 2024-02-20. Review status: criteria provided, single submitter. Criteria: LabCorp Variant Classification Summary - May 2015. Collection method: clinical testing. Allele origin: germline.
Comment: Variant summary: TECRL c.454A>G (p.Thr152Ala) results in a non-conservative amino acid change in the encoded protein sequence. Four of five in-silico tools predict a benign effect of the variant on protein function. The variant allele was found at a frequency of 0.00061 in 251302 control chromosomes, predominantly at a frequency of 0.001 within the Non-Finnish European subpopulation in the gnomAD database, including 1 homozygote. This frequency is not significantly higher than estimated for a pathogenic variant in TECRL causing Catecholaminergic Polymorphic Ventricular Tachycardia (0.00061 vs 0.0025), allowing no conclusion about variant significance. To our knowledge, no occurrence of c.454A>G in individuals affected with Catecholaminergic Polymorphic Ventricular Tachycardia and no experimental evidence demonstrating its impact on protein function have been reported. ClinVar contains an entry for this variant (Variation ID: 1178321). Based on the evidence outlined above, the variant was classified as uncertain significance.

GeneDx
Classification: Likely benign. Last evaluated: 2023-08-09. Review status: criteria provided, single submitter. Criteria: GeneDx Variant Classification Process June 2021. Collection method: clinical testing. Allele origin: germline. Affected: yes.
Comment: See Variant Classification Assertion Criteria.

Breakthrough Genomics
Classification: Likely benign. Review status: criteria provided, single submitter. Criteria: ACMG Guidelines, 2015. Collection method: not provided. Allele origin: germline. Inheritance: Autosomal recessive inheritance. Affected: yes.

PreventionGenetics, part of Exact Sciences
Classification: Likely benign for TECRL-related condition. Last evaluated: 2021-04-09. Review status: no assertion criteria provided. Collection method: clinical testing. Allele origin: germline. Not counted in ClinVar's aggregate classification.
Comment: This variant is classified as likely benign based on ACMG/AMP sequence variant interpretation guidelines (Richards et al. 2015 PMID: 25741868, with internal and published modifications).

NM_001010874.5(TECRL):c.454A>G (p.Thr152Ala)

Gene: TECRL (trans-2,3-enoyl-CoA reductase like; minus strand). Cytogenetic location: 4q13.1.
Variant type: single nucleotide variant.
Coding change: c.454A>G on transcript NM_001010874.5 (MANE Select); coding-DNA position 454, A replaced by G.
Protein change: p.Thr152Ala; replaces threonine 152 with alanine.
Molecular consequence: missense variant.
Genome position (GRCh38, 1-based): chr4:64,314,745, T>C on the plus strand (A>G on the coding strand, the complement: TECRL is on the minus strand). VCF-style: chr4-64314745-T-C. GRCh37 (hg19) VCF-style: chr4-65180463-T-C.
Other names: c.454A>G, p.Thr152Ala (NM_001363796.1); short protein forms T152A.
Identifiers: ClinVar variation 1178321 (VCV001178321.18), dbSNP rs143746083, ClinGen allele CA2935520.